The following is an entry in ClinVar:

NM_005419.4(STAT2):c.724C>G (p.Gln242Glu)

Gene: STAT2 (signal transducer and activator of transcription 2; minus strand). Cytogenetic location: 12q13.3.
Variant type: single nucleotide variant.
Coding change: c.724C>G on transcript NM_005419.4 (MANE Select); coding-DNA position 724, C replaced by G.
Protein change: p.Gln242Glu; replaces glutamine 242 with glutamic acid.
Molecular consequence: missense variant.
Genome position (GRCh38, 1-based): chr12:56,354,524, G>C on the plus strand (C>G on the coding strand, the complement: STAT2 is on the minus strand). VCF-style: chr12-56354524-G-C. GRCh37 (hg19) VCF-style: chr12-56748308-G-C.
Other names: c.712C>G, p.Gln238Glu (NM_198332.2); short protein forms Q242E, Q238E.
Identifiers: ClinVar variation 943744 (VCV000943744.12), dbSNP rs758745819, ClinGen allele CA6630777.

ClinVar aggregate classification (germline): Uncertain significance. Review status: criteria provided, multiple submitters, no conflicts (2 of 4 stars). 2 submissions from 2 submitters: Uncertain significance (2). Last evaluated 2025-10-01.

Conditions:
Primary immunodeficiency with post-measles-mumps-rubella vaccine viral infection. Also called: Immunodeficiency 44. Identifiers: Orphanet 431166, MedGen C4225260, MONDO:0014715, OMIM 616636.

Allele frequency attached by ClinVar (database versions not stated): gnomAD 0.00001; gnomAD exomes 0.00001 and 0.00002; TOPMed 0.00001; ExAC 0.00002.

Submissions (2):

CeGaT Center for Human Genetics Tuebingen
Classification: Uncertain significance. Last evaluated: 2025-10-01. Review status: criteria provided, single submitter. Criteria: CeGaT Center For Human Genetics Tuebingen Variant Classification Criteria Version 2. Collection method: clinical testing. Allele origin: germline. Affected: yes. Observed: 1 variant allele.
Comment: STAT2: PM2, PP2

Labcorp Genetics (formerly Invitae), Labcorp
Classification: Uncertain significance for Primary immunodeficiency with post-measles-mumps-rubella vaccine viral infection. Last evaluated: 2024-10-16. Review status: criteria provided, single submitter. Criteria: Invitae Variant Classification Sherloc (09022015). Collection method: clinical testing. Allele origin: germline.
Comment: This sequence change replaces glutamine, which is neutral and polar, with glutamic acid, which is acidic and polar, at codon 242 of the STAT2 protein (p.Gln242Glu). This variant is present in population databases (rs758745819, gnomAD 0.004%). This variant has not been reported in the literature in individuals affected with STAT2-related conditions. ClinVar contains an entry for this variant (Variation ID: 943744). Invitae Evidence Modeling of protein sequence and biophysical properties (such as structural, functional, and spatial information, amino acid conservation, physicochemical variation, residue mobility, and thermodynamic stability) indicates that this missense variant is expected to disrupt STAT2 protein function with a positive predictive value of 80%. In summary, the available evidence is currently insufficient to determine the role of this variant in disease. Therefore, it has been classified as a Variant of Uncertain Significance.